The following is an entry in ClinVar:

ClinVar aggregate classification (germline): Uncertain significance. Review status: criteria provided, single submitter (1 of 4 stars). 2 submissions from 2 submitters: Uncertain significance (1). 1 of the submissions does not count toward it. Last evaluated 2024-12-09.

Conditions:
Autosomal dominant aplasia and myelodysplasia. Also called: Bone marrow failure syndrome 1. Identifiers: Orphanet 314399, MedGen C3808553, MONDO:0013851, OMIM 614675.

Submissions (2):

GeneDx
Classification: Uncertain significance. Last evaluated: 2024-12-09. Review status: criteria provided, single submitter. Criteria: GeneDx Variant Classification Process June 2021. Collection method: clinical testing. Allele origin: germline. Affected: yes.
Comment: Frameshift variant predicted to result in protein truncation or nonsense mediated decay in a gene or region of a gene for which loss of function is not a well-established mechanism of disease; Functional studies suggest a damaging effect: reduced colocalization with endoplasmic reticulum markers and coprecipitation with 7SL RNA compared to wildtype (PMID: 22541560); Not observed at significant frequency in large population cohorts (gnomAD); This variant is associated with the following publications: (PMID: 35754847, 22541560)

OMIM
Classification: Pathogenic for BONE MARROW FAILURE SYNDROME 1. Last evaluated: 2012-05-04. Review status: no assertion criteria provided. Collection method: literature only. Allele origin: germline. Not counted in ClinVar's aggregate classification.

Literature cited by the submitters: PubMed 22541560 (cited by OMIM).

NM_006947.4(SRP72):c.1064_1065del (p.Thr355fs)

Gene: SRP72 (signal recognition particle 72; plus strand). Cytogenetic location: 4q12.
Variant type: Microsatellite.
Coding change: c.1064_1065del on transcript NM_006947.4 (MANE Select); coding-DNA positions 1064 to 1065, 2 bases deleted (CA; older notation c.1064_1065delCA).
Protein change: p.Thr355fs; shifts the reading frame from threonine 355.
Molecular consequence: frameshift variant. On other transcripts: non-coding transcript variant (1).
Genome position (GRCh38, 1-based): chr4:56,484,842-56,484,843, CA deleted; deleting any 2 consecutive bases within chr4:56,484,838-56,484,843 gives the same sequence; the c. name uses the placement nearest the transcript's 3' end. VCF-style (leftmost placement, unchanged base first): chr4-56484837-GCA-G. GRCh37 (hg19) VCF-style: chr4-57351003-GCA-G.
Other names: c.881_882del, p.Thr294fs (NM_001267722.2); short protein forms T355fs, T294fs.
Identifiers: ClinVar variation 31659 (VCV000031659.3), dbSNP rs587776907, ClinGen allele CA129878.